The following is an entry in ClinVar:

NM_018139.3(DNAAF2):c.421G>A (p.Val141Ile)

Gene: DNAAF2 (dynein axonemal assembly factor 2; minus strand). Cytogenetic location: 14q21.3.
Variant type: single nucleotide variant.
Coding change: c.421G>A on transcript NM_018139.3 (MANE Select); coding-DNA position 421, G replaced by A.
Protein change: p.Val141Ile; replaces valine 141 with isoleucine.
Molecular consequence: missense variant.
Genome position (GRCh38, 1-based): chr14:49,634,729, C>T on the plus strand (G>A on the coding strand, the complement: DNAAF2 is on the minus strand). VCF-style: chr14-49634729-C-T. GRCh37 (hg19) VCF-style: chr14-50101447-C-T.
Other names: c.421G>A, p.Val141Ile (NM_001083908.2); short protein forms V141I.
Identifiers: ClinVar variation 1515432 (VCV001515432.8), dbSNP rs2139583849, ClinGen allele CA389631892.

ClinVar aggregate classification (germline): Uncertain significance (1 of 4 stars; one submission).

Conditions:
Primary ciliary dyskinesia. Also called: Ciliary dyskinesia. Identifiers: Orphanet 244, MedGen C0008780, MONDO:0016575, HP:0012265.

Submission:

Labcorp Genetics (formerly Invitae), Labcorp
Classification: Uncertain significance for Primary ciliary dyskinesia. Last evaluated: 2022-08-23. Review status: criteria provided, single submitter. Criteria: Invitae Variant Classification Sherloc (09022015). Collection method: clinical testing. Allele origin: germline.
Comment: This variant is not present in population databases (gnomAD no frequency). In summary, the available evidence is currently insufficient to determine the role of this variant in disease. Therefore, it has been classified as a Variant of Uncertain Significance. Algorithms developed to predict the effect of missense changes on protein structure and function are either unavailable or do not agree on the potential impact of this missense change (SIFT: "Tolerated"; PolyPhen-2: "Probably Damaging"; Align-GVGD: "Class C0"). ClinVar contains an entry for this variant (Variation ID: 1515432). This variant has not been reported in the literature in individuals affected with DNAAF2-related conditions. This sequence change replaces valine, which is neutral and non-polar, with isoleucine, which is neutral and non-polar, at codon 141 of the DNAAF2 protein (p.Val141Ile).